The following is an entry in ClinVar:

NM_032444.4(SLX4):c.555C>T (p.Asp185=)

Gene: SLX4 (SLX4 structure-specific endonuclease subunit; minus strand). Cytogenetic location: 16p13.3.
Variant type: single nucleotide variant.
Coding change: c.555C>T on transcript NM_032444.4 (MANE Select); coding-DNA position 555, C replaced by T.
Protein change: p.Asp185=; no amino-acid change (aspartic acid 185 retained).
Molecular consequence: synonymous variant.
Genome position (GRCh38, 1-based): chr16:3,606,679, G>A on the plus strand (C>T on the coding strand, the complement: SLX4 is on the minus strand). VCF-style: chr16-3606679-G-A. GRCh37 (hg19) VCF-style: chr16-3656680-G-A.
Other names: p.Asp185=; c.555C>T (NM_032444.3, LRG_503t1).
Identifiers: ClinVar variation 262055 (VCV000262055.32), dbSNP rs74640850, ClinGen allele CA7866823.

ClinVar aggregate classification (germline): Benign/Likely benign. Review status: criteria provided, multiple submitters, no conflicts (2 of 4 stars). 10 submissions from 10 submitters: Benign (8); Likely benign (1). 1 of the submissions does not count toward it. Last evaluated 2026-02-04.

Conditions:
Fanconi anemia (FA). Also called: Fanconi's anemia. Identifiers: Orphanet 84, MedGen C0015625, MeSH D005199, MONDO:0019391.
Fanconi anemia complementation group P. Also called: SLX4-Related Fanconi Anemia. Identifiers: Orphanet 84, MedGen C3469542, MONDO:0013499, OMIM 613951.

Allele frequency attached by ClinVar (database versions not stated): 1000 Genomes Project 0.04193; 1000 Genomes Project 30x 0.04279; TOPMed 0.04657; gnomAD 0.04956 and 0.04981; ESP Exome Variant Server 0.04979; gnomAD exomes 0.05833 and 0.06173; ExAC 0.05856.
gnomAD v4.1: 97,490 of 1,613,964 alleles (6%); highest among the groups gnomAD compares: Admixed American, 6.6%; 3,286 homozygotes.

Submissions (10):

Labcorp Genetics (formerly Invitae), Labcorp
Classification: Benign for Fanconi anemia. Last evaluated: 2026-02-04. Review status: criteria provided, single submitter. Criteria: Invitae Variant Classification Sherloc (09022015). Collection method: clinical testing. Allele origin: germline.

Mayo Clinic Laboratories, Mayo Clinic
Classification: Benign. Last evaluated: 2025-09-15. Review status: criteria provided, single submitter. Criteria: ACMG Guidelines, 2015. Collection method: clinical testing. Allele origin: germline. Observed: 2 variant alleles.

ARUP Laboratories, Molecular Genetics and Genomics, ARUP Laboratories
Classification: Benign for Fanconi anemia complementation group P. Last evaluated: 2025-07-02. Review status: criteria provided, single submitter. Criteria: ARUP Molecular Germline Variant Investigation Process 2024. Collection method: clinical testing. Allele origin: germline.

Blueprint Genetics
Classification: Likely benign. Last evaluated: 2024-11-27. Review status: criteria provided, single submitter. Criteria: ACMG Guidelines, 2015. Collection method: clinical testing. Allele origin: germline.

KCCC/NGS Laboratory, Kuwait Cancer Control Center
Classification: Benign for Fanconi anemia complementation group P. Last evaluated: 2023-07-07. Review status: criteria provided, single submitter. Criteria: ACMG Guidelines, 2015. Collection method: clinical testing. Allele origin: germline. Affected: yes.

GeneDx
Classification: Benign. Last evaluated: 2019-02-24. Review status: criteria provided, single submitter. Criteria: GeneDx Variant Classification Process June 2021. Collection method: clinical testing. Allele origin: germline. Affected: yes.

Illumina Laboratory Services, Illumina
Classification: Benign for Fanconi anemia complementation group P. Last evaluated: 2018-01-13. Review status: criteria provided, single submitter. Criteria: ICSL Variant Classification Criteria 13 December 2019. Collection method: clinical testing. Allele origin: germline.
Comment: This variant was observed in the ICSL laboratory as part of a predisposition screen in an ostensibly healthy population. It had not been previously curated by ICSL or reported in the Human Gene Mutation Database (HGMD: prior to June 1st, 2018), and was therefore a candidate for classification through an automated scoring system. Utilizing variant allele frequency, disease prevalence and penetrance estimates, and inheritance mode, an automated score was calculated to assess if this variant is too frequent to cause the disease. Based on the score and internal cut-off values, a variant classified as benign is not then subjected to further curation. The score for this variant resulted in a classification of benign for this disease.

Breakthrough Genomics
Classification: Benign. Review status: criteria provided, single submitter. Criteria: ACMG Guidelines, 2015. Collection method: not provided. Allele origin: germline. Inheritance: Autosomal recessive inheritance. Affected: yes.

PreventionGenetics, part of Exact Sciences
Classification: Benign. Review status: criteria provided, single submitter. Criteria: ACMG Guidelines, 2015. Collection method: clinical testing. Allele origin: germline.

Leiden Open Variation Database
Classification: Likely benign. Last evaluated: 2012-08-31. Review status: no assertion criteria provided. Collection method: curation. Allele origin: germline. Affected: yes. Not counted in ClinVar's aggregate classification.
Comment: Curator: Arleen D. Auerbach. Submitter to LOVD: Janine Bakker.

Literature cited by the submitters: PubMed 22911665 (cited by Leiden Open Variation Database).